The following continues an entry in ClinVar:

NM_000152.5(GAA):c.2237G>A (p.Trp746Ter)

Gene: GAA. ClinVar aggregate classification (germline): Pathogenic. Pathogenic (1).

Submissions 10 to 14 of 14:

Broad Center for Mendelian Genomics, Broad Institute of MIT and Harvard
Classification: Pathogenic for Glycogen storage disease, type II. Last evaluated: 2020-01-22. Review status: criteria provided, single submitter. Criteria: ACMG Guidelines, 2015. Collection method: curation. Allele origin: germline. Inheritance: Autosomal recessive inheritance. Not counted in ClinVar's aggregate classification.
Comment: The p.Trp746Ter variant in GAA has been reported in at least 33 individuals (including 15 Italians, 5 from the UK, and 4 Chinese individuals) with Glycogen Storage Disease II (PMID: 26497565, 10206684, 12923862, 16917947, 18429042, 18285536, 21484825, 22980766, 24158270, 22237443, 24169249, 25488666, 25526786, 24269976, 17056254), and has also been reported pathogenic by GeneDx, UChicago, EGL Genetic Diagnostics, Integrated Genetics, and Invitae in ClinVar (Variation ID: 280063). This variant has been identified in 0.001% (1/113202) of European (non-Finnish) chromosomes by the Genome Aggregation Database (gnomAD; dbSNP rs752921215). Although this variant has been seen in the general population, its frequency is low enough to be consistent with a recessive carrier frequency. This nonsense variant leads to a premature termination codon at position 746, which is predicted to lead to a truncated or absent protein. Loss of function of the GAA gene is an established disease mechanism in autosomal recessive Glycogen Storage Disease II. The presence of this variant in the homozygous state and in trans with pathogenic variants, and in individuals with Glycogen Storage Disease II increases the likelihood that the p.Trp746Ter variant is pathogenic (PMID: 26497565, 16917947). The phenotype of individuals heterozygous for this variant is highly specific for Glycogen Storage Disease II with reduced GAA activity detected in relevant tissues, consistent with disease (PMID: 26497565, 24158270, 22237443, 21484825, 17056254, 12923862, 18285536, 16917947). Another variant at the same position with the same amino acid change, c.2238G>A (p.Trp746Ter), has been reported as a pathogenic and likely pathogenic variant in association with Glycogen Storage Disease II in ClinVar (Variation ID: 370904). In summary, this variant meets criteria to be classified as pathogenic for Glycogen Storage Disease II in an autosomal recessive manner based on the predicted impact of the variant and multiple occurrences with pathogenic GAA variants in individuals with Glycogen Storage Disease II. ACMG/AMP Criteria applied: PVS1, PM3_VeryStrong, PM2, PP4 (Richards 2015).

Women's Health and Genetics/Laboratory Corporation of America, LabCorp
Classification: Pathogenic for Glycogen storage disease, type II. Last evaluated: 2018-08-13. Review status: criteria provided, single submitter. Criteria: LabCorp Variant Classification Summary - May 2015. Collection method: clinical testing. Allele origin: germline. Not counted in ClinVar's aggregate classification.
Comment: Variant summary: GAA c.2237G>A (p.Trp746X) results in a premature termination codon, predicted to cause a truncation of the encoded protein or absence of the protein due to nonsense mediated decay, which are commonly known mechanisms for disease. Truncations downstream of this position have been classified as pathogenic by our laboratory (eg. c.2560C>T, p.Arg854*). The variant allele was found at a frequency of 8.1e-06 in 245810 control chromosomes (gnomAD). c.2237G>A has been reported in the literature in multiple individuals affected with Late Onset Pompe Disease (Montalvo_2006, Liu_2018). These data indicate that the variant is very likely to be associated with disease. To our knowledge, no experimental evidence demonstrating an impact on protein function has been reported. Three ClinVar submissions from clinical diagnostic laboratories (evaluation after 2014) cite the variant as "pathogenic." Based on the evidence outlined above, the variant was classified as pathogenic.

Eurofins Ntd Llc (ga)
Classification: Pathogenic. Last evaluated: 2018-06-13. Review status: criteria provided, single submitter. Criteria: EGL ClinVar v180209 classification definitions. Collection method: clinical testing. Allele origin: germline. Observed: 1 variant allele, 1 heterozygote. Not counted in ClinVar's aggregate classification.

GeneDx
Classification: Pathogenic. Last evaluated: 2016-06-08. Review status: criteria provided, single submitter. Criteria: GeneDx Variant Classification (06012015). Collection method: clinical testing. Allele origin: germline. Affected: yes. Not counted in ClinVar's aggregate classification.
Comment: The W746X pathogenic variant in the GAA gene has been previously reported multiple times in association with both infantile-onset and late-onset GSDII (Beesley et al., 1998; Montalvo et al., 2006; Pittis et al., 2008). Clinical variability was described amongst individuals harboring the W746X variant and GAA enzyme activity ranged from decreased to absent (Montalvo et al., 2006; Remiche et al., 2014). This variant was not observed in approximately 6,500 individuals of European and African American ancestry in the NHLBI Exome Sequencing Project, indicating it is not a common benign variant in these populations. The W746X nonsense variant is predicted to cause loss of normal protein function either through protein truncation or nonsense-mediated mRNA decay.

Genetic Services Laboratory, University of Chicago
Classification: Pathogenic for Glycogen storage disease, type II. Last evaluated: 2016-05-23. Review status: criteria provided, single submitter. Criteria: ACMG Guidelines, 2015. Collection method: clinical testing. Allele origin: germline. Affected: yes. Not counted in ClinVar's aggregate classification.

Literature cited by the submitters: PubMed 17056254 (cited by ClinGen Lysosomal Storage Disorder Variant Curation Expert Panel); PubMed 18429042 (cited by 3 submitters); PubMed 26497565 (cited by 4 submitters); PubMed 24269976 (cited by ClinGen Lysosomal Storage Disorder Variant Curation Expert Panel); PubMed 12923862 (cited by ClinGen Lysosomal Storage Disorder Variant Curation Expert Panel and Broad Center for Mendelian Genomics, Broad Institute of MIT and Harvard); PubMed 24158270 (cited by 4 submitters); PubMed 21484825 (cited by ClinGen Lysosomal Storage Disorder Variant Curation Expert Panel and Broad Center for Mendelian Genomics, Broad Institute of MIT and Harvard); PubMed 22237443 (cited by ClinGen Lysosomal Storage Disorder Variant Curation Expert Panel and Broad Center for Mendelian Genomics, Broad Institute of MIT and Harvard); PubMed 16917947 (cited by 3 submitters); PubMed 40813881 (cited by Genomenon, Inc); PubMed 39213226 (cited by Genomenon, Inc); PubMed 39010129 (cited by Genomenon, Inc); PubMed 38248631 (cited by Genomenon, Inc); PubMed 38162137 (cited by Genomenon, Inc); PubMed 36310651 (cited by Genomenon, Inc); PubMed 36137614 (cited by Genomenon, Inc); PubMed 35477515 (cited by Genomenon, Inc); PubMed 35302691 (cited by Genomenon, Inc); PubMed 34606154 (cited by Genomenon, Inc); PubMed 18425781 (cited by Labcorp Genetics (formerly Invitae), Labcorp); PubMed 22252923 (cited by Labcorp Genetics (formerly Invitae), Labcorp); PubMed 10206684 (cited by Labcorp Genetics (formerly Invitae), Labcorp and Broad Center for Mendelian Genomics, Broad Institute of MIT and Harvard); PubMed 25488666 (cited by Labcorp Genetics (formerly Invitae), Labcorp and Broad Center for Mendelian Genomics, Broad Institute of MIT and Harvard); PubMed 18285536 (cited by New York Genome Center and Broad Center for Mendelian Genomics, Broad Institute of MIT and Harvard); PubMed 25526786 (cited by Broad Center for Mendelian Genomics, Broad Institute of MIT and Harvard); PubMed 24169249 (cited by Broad Center for Mendelian Genomics, Broad Institute of MIT and Harvard); PubMed 22980766 (cited by Broad Center for Mendelian Genomics, Broad Institute of MIT and Harvard); PubMed 29451150 (cited by Women's Health and Genetics/Laboratory Corporation of America, LabCorp).